The following is an entry in ClinVar:

NM_002906.4(RDX):c.1024C>T (p.Arg342Cys)

Gene: RDX (radixin; minus strand). Cytogenetic location: 11q22.3.
Variant type: single nucleotide variant.
Coding change: c.1024C>T on transcript NM_002906.4 (MANE Select); coding-DNA position 1024, C replaced by T.
Protein change: p.Arg342Cys; replaces arginine 342 with cysteine.
Molecular consequence: missense variant. On other transcripts: 5 prime UTR variant (1), intron variant (1).
Genome position (GRCh38, 1-based): chr11:110,247,769, G>A on the plus strand (C>T on the coding strand, the complement: RDX is on the minus strand). VCF-style: chr11-110247769-G-A. GRCh37 (hg19) VCF-style: chr11-110118494-G-A.
Other names: c.1024C>T, p.Arg342Cys (NM_001260492.2, NM_001260493.2); c.616C>T, p.Arg206Cys (NM_001260494.2); c.-18C>T (NM_001260495.2); c.404+10388C>T (NM_001260496.2); c.1024C>T (NM_002906.3); short protein forms R206C, R342C.
Identifiers: ClinVar variation 1065015 (VCV001065015.23), dbSNP rs1030064754, ClinGen allele CA229016776.
Genomic context (GRCh38, chr11:110,247,769, plus strand): 5'-GAGCTTTAATTGTCTGCTCTTCAATTTGTTTTAGACGTTCCATTAGCTCTTCCTTTTCAC[G>A]TTCTATTCTTTCCTTTTCCTTTTCTGCTATTTCTCTTTTCTTCTTTTCATTCTCTAATTG-3'
Protein context (NP_002897.1, residues 332-352): IAEKEKERIE[Arg342Cys]EKEELMERLK

ClinVar aggregate classification (germline): Uncertain significance. Review status: criteria provided, multiple submitters, no conflicts (2 of 4 stars). 3 submissions from 3 submitters: Uncertain significance (3). Last evaluated 2026-06-05.

Conditions:
Hearing impairment. Also called: Impaired Hearing. Identifiers: MedGen C1384666, MONDO:0005365, HP:0000365.

Allele frequency attached by ClinVar (database versions not stated): gnomAD 0.00002; TOPMed 0.00002.
gnomAD v4.1: 16 of 1,608,300 alleles (0.00099%); highest among the groups gnomAD compares: Middle Eastern, 0.034%; no homozygotes.

Submissions (3):

GeneDx
Classification: Uncertain significance. Last evaluated: 2026-06-05. Review status: criteria provided, single submitter. Criteria: GeneDx Variant Classification Process June 2021. Collection method: clinical testing. Allele origin: germline.
Comment: Not observed at significant frequency in large population cohorts (gnomAD); In silico analysis supports that this missense variant has a deleterious effect on protein structure/function; Has not been previously published as pathogenic or benign to our knowledge

CeGaT Center for Human Genetics Tuebingen
Classification: Uncertain significance. Last evaluated: 2024-06-01. Review status: criteria provided, single submitter. Criteria: CeGaT Center For Human Genetics Tuebingen Variant Classification Criteria Version 2. Collection method: clinical testing. Allele origin: germline. Affected: yes. Observed: 1 variant allele.
Comment: RDX: PM2, PP3

Department of Otolaryngology – Head & Neck Surgery, Cochlear Implant Center
Classification: Uncertain significance for Hearing impairment. Last evaluated: 2021-04-12. Review status: criteria provided, single submitter. Criteria: ClinGen HL ACMG Specifications v1. Collection method: clinical testing. Allele origin: germline. Affected: yes.
Comment: PM2_Moderate, PP3_Supporting